The following is an entry in ClinVar:

NM_024496.4(IRF2BPL):c.1874C>T (p.Ala625Val)

Gene: IRF2BPL (interferon regulatory factor 2 binding protein like; minus strand). Cytogenetic location: 14q24.3.
Variant type: single nucleotide variant.
Coding change: c.1874C>T on transcript NM_024496.4 (MANE Select); coding-DNA position 1874, C replaced by T.
Protein change: p.Ala625Val; replaces alanine 625 with valine.
Molecular consequence: missense variant.
Genome position (GRCh38, 1-based): chr14:77,025,919, G>A on the plus strand (C>T on the coding strand, the complement: IRF2BPL is on the minus strand). VCF-style: chr14-77025919-G-A. GRCh37 (hg19) VCF-style: chr14-77492262-G-A.
Other names: short protein forms A625V.
Identifiers: ClinVar variation 1029894 (VCV001029894.2), dbSNP rs1161444227, ClinGen allele CA390489557.
Genomic context (GRCh38, chr14:77,025,919, plus strand): 5'-GAACTGCCATCCTTGGGCGAGTGCGCTGTGCCCAGAGTATCTGCCACCGACATGAGAGCG[G>A]CCATAGGGGACGGACCGTTCTGGGGGGCTGACTCAGGTGGGGTGGTCCGGTTGGAATGGG-3'
Protein context (NP_078772.1, residues 615-635): SAPQNGPSPM[Ala625Val]ALMSVADTLG

ClinVar aggregate classification (germline): Uncertain significance. Review status: criteria provided, multiple submitters, no conflicts (2 of 4 stars). 2 submissions from 2 submitters: Uncertain significance (2). Last evaluated 2024-03-29.

Conditions:
Neurodevelopmental disorder with regression, abnormal movements, loss of speech, and seizures. Identifiers: Orphanet 597623, MedGen C4748127, MONDO:0060759, OMIM 618088.

Submissions (2):

Genomic Medicine Center of Excellence, King Faisal Specialist Hospital and Research Centre
Classification: Uncertain significance for Neurodevelopmental disorder with regression, abnormal movements, loss of speech, and seizures. Last evaluated: 2024-03-29. Review status: criteria provided, single submitter. Criteria: ACMG Guidelines, 2015. Collection method: clinical testing. Allele origin: germline.

Baylor Genetics
Classification: Uncertain significance for Neurodevelopmental disorder with regression, abnormal movements, loss of speech, and seizures. Last evaluated: 2020-02-13. Review status: criteria provided, single submitter. Criteria: ACMG Guidelines, 2015. Collection method: clinical testing. Allele origin: unknown. Affected: yes.
Comment: This variant was determined to be of uncertain significance according to ACMG Guidelines, 2015 [PMID:25741868].